The following is an entry in ClinVar:

NM_182641.4(BPTF):c.5649del (p.Ile1883fs)

Gene: BPTF (bromodomain PHD finger transcription factor; plus strand). Cytogenetic location: 17q24.2.
Variant type: Deletion.
Coding change: c.5649del on transcript NM_182641.4 (MANE Select); coding-DNA position 5649, one base deleted (T; older notation c.5649delT).
Protein change: p.Ile1883fs; shifts the reading frame from isoleucine 1883.
Molecular consequence: frameshift variant.
Genome position (GRCh38, 1-based): chr17:67,922,931, T deleted; the last of 2 consecutive T bases (chr17:67,922,930-67,922,931); deleting either gives the same sequence. VCF-style (leftmost placement, unchanged base first): chr17-67922929-AT-A. GRCh37 (hg19) VCF-style: chr17-65919045-AT-A.
Other names: c.6027del, p.Ile2009fs (NM_004459.7); short protein forms I1883fs, I2009fs.
Identifiers: ClinVar variation 817267 (VCV000817267.1), dbSNP rs1598681680, ClinGen allele CA915952218.

ClinVar aggregate classification (germline): Pathogenic (1 of 4 stars; one submission).

Submission:

GeneDx
Classification: Pathogenic. Last evaluated: 2018-10-04. Review status: criteria provided, single submitter. Criteria: GeneDx Variant Classification (06012015). Collection method: clinical testing. Allele origin: germline. Affected: yes.
Comment: The c.6027delT pathogenic variant in the BPTF gene causes a frameshift starting with codon Isoleucine 2009, changes this amino acid to a Methionine residue and creates a premature Stop codon at position 5 of the new reading frame, denoted p.Ile2009MetfsX5. This pathogenic variant is predicted to cause loss of normal protein function either through protein truncation or nonsense-mediated mRNA decay. The c.6027delT variant is not observed in large population cohorts (Lek et al., 2016).